The following is an entry in ClinVar:

ClinVar aggregate classification (germline): Likely benign. Review status: criteria provided, multiple submitters, no conflicts (2 of 4 stars). 6 submissions from 4 submitters: Likely benign (6). Last evaluated 2025-10-27.

Conditions:
Hypertrophic cardiomyopathy 2. Also called: TNNT2-Related Familial Hypertrophic Cardiomyopathy. Identifiers: MedGen C1861864, MONDO:0007266, OMIM 115195.
Dilated cardiomyopathy 1D. Identifiers: Orphanet 154, Orphanet 54260, MedGen C1832243, MONDO:0011095, OMIM 601494.
Cardiomyopathy, familial restrictive, 3. Identifiers: Orphanet 75249, MedGen C2676271, MONDO:0012900, OMIM 612422.

Allele frequency attached by ClinVar (database versions not stated): gnomAD exomes 0.00007; ExAC 0.00008; gnomAD 0.00001 and 0.00003; TOPMed 0.00002.
gnomAD v4.1: 113 of 1,609,252 alleles (0.007%); highest among the groups gnomAD compares: South Asian, 0.049%; no homozygotes.

Submissions (6):

Labcorp Genetics (formerly Invitae), Labcorp
Classification: Likely benign for Cardiomyopathy, familial restrictive, 3; Hypertrophic cardiomyopathy 2; Dilated cardiomyopathy 1D. Last evaluated: 2025-10-27. Review status: criteria provided, single submitter. Criteria: Invitae Variant Classification Sherloc (09022015). Collection method: clinical testing. Allele origin: germline.

Blueprint Genetics
Classification: Likely benign. Last evaluated: 2023-08-22. Review status: criteria provided, single submitter. Criteria: ACMG Guidelines, 2015. Collection method: clinical testing. Allele origin: germline.

Genome-Nilou Lab
Classification: Likely benign for Dilated cardiomyopathy 1D. Last evaluated: 2023-04-11. Review status: criteria provided, single submitter. Criteria: ACMG Guidelines, 2015. Collection method: clinical testing. Allele origin: germline. Affected: no.

Genome-Nilou Lab
Classification: Likely benign for Cardiomyopathy, familial restrictive, 3. Last evaluated: 2023-04-11. Review status: criteria provided, single submitter. Criteria: ACMG Guidelines, 2015. Collection method: clinical testing. Allele origin: germline. Affected: no.

Genome-Nilou Lab
Classification: Likely benign for Hypertrophic cardiomyopathy 2. Last evaluated: 2023-04-11. Review status: criteria provided, single submitter. Criteria: ACMG Guidelines, 2015. Collection method: clinical testing. Allele origin: germline. Affected: no.

GeneDx
Classification: Likely benign. Last evaluated: 2017-02-08. Review status: criteria provided, single submitter. Criteria: GeneDx Variant Classification (06012015). Collection method: clinical testing. Allele origin: germline. Affected: yes.
Comment: This variant is considered likely benign or benign based on one or more of the following criteria: it is a conservative change, it occurs at a poorly conserved position in the protein, it is predicted to be benign by multiple in silico algorithms, and/or has population frequency not consistent with disease.

NM_001276345.2(TNNT2):c.852-18G>A

Gene: TNNT2 (troponin T2, cardiac type; minus strand). Cytogenetic location: 1q32.1.
Variant type: single nucleotide variant.
Coding change: c.852-18G>A on transcript NM_001276345.2 (MANE Select); 18 bases into the intron before coding-DNA position 852, G replaced by A.
Molecular consequence: intron variant.
Genome position (GRCh38, 1-based): chr1:201,359,273, C>T on the plus strand (G>A on the coding strand, the complement: TNNT2 is on the minus strand). VCF-style: chr1-201359273-C-T. GRCh37 (hg19) VCF-style: chr1-201328401-C-T.
Other names: c.804-18G>A (NM_001001432.3); c.813-18G>A (NM_001001431.3); c.822-18G>A (NM_001001430.3, NM_001276347.2); c.723-18G>A (NM_001276346.2); c.843-18G>A (NM_000364.4).
Identifiers: ClinVar variation 516875 (VCV000516875.10), dbSNP rs778928540, ClinGen allele CA089220.